The following is an entry in ClinVar:

ClinVar aggregate classification (germline): Uncertain significance (1 of 4 stars; one submission).

Conditions:
Nephrotic syndrome. Identifiers: MedGen C0027726, MONDO:0005377, HP:0000100.
Focal segmental glomerulosclerosis 6 (FSGS6). Identifiers: Orphanet 656, MedGen C3279905, MONDO:0013589, OMIM 614131.

Allele frequency attached by ClinVar (database versions not stated): ExAC 0.00001; gnomAD 0.00001; gnomAD exomes 0.00001 and 0.00002; TOPMed 0.00001; ESP Exome Variant Server 0.00008.
gnomAD v4.1: 31 of 1,614,044 alleles (0.0019%); highest among the groups gnomAD compares: Non-Finnish European, 0.0024%; no homozygotes.

Submission:

UNC Molecular Genetics  Laboratory, University of North Carolina at Chapel Hill
Classification: Uncertain significance for Nephrotic syndrome. Last evaluated: 2018-09-28. Review status: criteria provided, single submitter. Criteria: ACMG Guidelines, 2015. Collection method: clinical testing. Allele origin: germline. Affected: yes. Observed: 1 heterozygote.

NM_004998.4(MYO1E):c.1415C>T (p.Ala472Val)

Gene: MYO1E (myosin IE; minus strand). Cytogenetic location: 15q22.2.
Variant type: single nucleotide variant.
Coding change: c.1415C>T on transcript NM_004998.4 (MANE Select); coding-DNA position 1415, C replaced by T.
Protein change: p.Ala472Val; replaces alanine 472 with valine.
Molecular consequence: missense variant.
Genome position (GRCh38, 1-based): chr15:59,208,796, G>A on the plus strand (C>T on the coding strand, the complement: MYO1E is on the minus strand). VCF-style: chr15-59208796-G-A. GRCh37 (hg19) VCF-style: chr15-59500995-G-A.
Other names: short protein forms A472V.
Identifiers: ClinVar variation 930196 (VCV000930196.6), dbSNP rs371914169, ClinGen allele CA7589943.